The following is an entry in ClinVar:

NC_000005.9:g.(?_138117614)_(138148001_?)del

Gene: CTNNA1 (catenin alpha 1; plus strand). Cytogenetic location: 5q31.2.
Variant type: Deletion.
Identifiers: ClinVar variation 3246475 (VCV003246475.1).

ClinVar aggregate classification (germline): Pathogenic (1 of 4 stars; one submission).

Submission:

Labcorp Genetics (formerly Invitae), Labcorp
Classification: Pathogenic. Last evaluated: 2023-05-15. Review status: criteria provided, single submitter. Criteria: Invitae Variant Classification Sherloc (09022015). Collection method: clinical testing. Allele origin: unknown.
Comment: For these reasons, this variant has been classified as Pathogenic. This variant has not been reported in the literature in individuals affected with CTNNA1-related conditions. This variant is a gross deletion of the genomic region encompassing exon(s) 2-5 of the CTNNA1 gene, which includes the initiator codon. This deletion extends beyond the assayed region for this gene and therefore may encompass additional genes. It is expected to result in an absent or disrupted protein product. Loss-of-function variants in CTNNA1 are known to be pathogenic (PMID: 32051609, 34425242).

Literature cited by the submitters: PubMed 32051609; PubMed 34425242.